The following is an entry in ClinVar:

ClinVar aggregate classification (germline): Likely benign. Review status: criteria provided, multiple submitters, no conflicts (2 of 4 stars). 4 submissions from 4 submitters: Likely benign (4). Last evaluated 2024-12-11.

Conditions:
Dilated cardiomyopathy 1G (CMD1G). Identifiers: Orphanet 154, MedGen C1858763, MONDO:0011400, OMIM 604145.
Autosomal recessive limb-girdle muscular dystrophy type 2J (LGMDR10). Also called: Limb-girdle muscular dystrophy, type 2J; MUSCULAR DYSTROPHY, LIMB-GIRDLE, AUTOSOMAL RECESSIVE 10. Identifiers: Orphanet 140922, MedGen C1837342, MONDO:0012127, OMIM 608807.

Allele frequency attached by ClinVar (database versions not stated): TOPMed 0.00001.

Submissions (4):

Labcorp Genetics (formerly Invitae), Labcorp
Classification: Likely benign for Dilated cardiomyopathy 1G; Autosomal recessive limb-girdle muscular dystrophy type 2J. Last evaluated: 2024-12-11. Review status: criteria provided, single submitter. Criteria: Invitae Variant Classification Sherloc (09022015). Collection method: clinical testing. Allele origin: germline.

Mayo Clinic Laboratories, Mayo Clinic
Classification: Likely benign. Last evaluated: 2024-12-10. Review status: criteria provided, single submitter. Criteria: ACMG Guidelines, 2015. Collection method: clinical testing. Allele origin: germline. Observed: 1 variant allele.
Comment: BP4, BP7, PM2_supporting

GeneDx
Classification: Likely benign. Last evaluated: 2017-09-11. Review status: criteria provided, single submitter. Criteria: GeneDx Variant Classification (06012015). Collection method: clinical testing. Allele origin: germline. Affected: yes.
Comment: This variant is considered likely benign or benign based on one or more of the following criteria: it is a conservative change, it occurs at a poorly conserved position in the protein, it is predicted to be benign by multiple in silico algorithms, and/or has population frequency not consistent with disease.

Laboratory for Molecular Medicine, Mass General Brigham Personalized Medicine
Classification: Likely benign. Last evaluated: 2014-07-11. Review status: criteria provided, single submitter. Criteria: LMM Criteria. Collection method: clinical testing. Allele origin: germline. Observed: 1 variant allele.
Comment: Asn8303Asn in exon 96 of TTN: This variant is not expected to have clinical sign ificance because it does not alter an amino acid residue and is not located with in the splice consensus sequence.

NM_001267550.2(TTN):c.28641C>T (p.Asn9547=)

Gene: TTN (titin; minus strand). Cytogenetic location: 2q31.2.
Variant type: single nucleotide variant.
Coding change: c.28641C>T on transcript NM_001267550.2 (MANE Select); coding-DNA position 28641, C replaced by T.
Protein change: p.Asn9547=; no amino-acid change (asparagine 9547 retained).
Molecular consequence: synonymous variant. On other transcripts: intron variant (3).
Genome position (GRCh38, 1-based): chr2:178,709,678, G>A on the plus strand (C>T on the coding strand, the complement: TTN is on the minus strand). VCF-style: chr2-178709678-G-A. GRCh37 (hg19) VCF-style: chr2-179574405-G-A.
Other names: p.Asn9230=; c.27690C>T, p.Asn9230= (NM_001256850.1); c.24909C>T, p.Asn8303= (NM_133378.4); c.13282+28404C>T (NM_003319.4); c.13858+28404C>T (NM_133437.4); c.13657+28404C>T (NM_133432.3).
Identifiers: ClinVar variation 179873 (VCV000179873.8), dbSNP rs727505185, ClinGen allele CA185319.